The following is an entry in ClinVar:

NM_001037.5(SCN1B):c.249T>C (p.Asp83=)

Gene: SCN1B (sodium voltage-gated channel beta subunit 1; plus strand). Cytogenetic location: 19q13.11.
Variant type: single nucleotide variant.
Coding change: c.249T>C on transcript NM_001037.5 (MANE Select); coding-DNA position 249, T replaced by C.
Protein change: p.Asp83=; no amino-acid change (aspartic acid 83 retained).
Molecular consequence: synonymous variant.
Genome position (GRCh38, 1-based): chr19:35,033,540, T>C. VCF-style: chr19-35033540-T-C. GRCh37 (hg19) VCF-style: chr19-35524444-T-C.
Other names: c.150T>C, p.Asp50= (NM_001321605.2); c.249T>C, p.Asp83= (NM_199037.5).
Identifiers: ClinVar variation 516917 (VCV000516917.6), dbSNP rs1234271758, ClinGen allele CA507297938.

ClinVar aggregate classification (germline): Likely benign. Review status: criteria provided, multiple submitters, no conflicts (2 of 4 stars). 3 submissions from 3 submitters: Likely benign (3). Last evaluated 2025-12-24.

Conditions:
Cardiovascular phenotype. Identifiers: MedGen CN230736.
Brugada syndrome 5 (BRGDA5). Identifiers: Orphanet 130, Orphanet 871, MedGen C2748541, MONDO:0013015, OMIM 612838.

Allele frequency attached by ClinVar (database versions not stated): gnomAD exomes below 0.00001 and 0.00001; gnomAD 0.00001.
gnomAD v4.1: 6 of 1,613,766 alleles (0.00037%); highest among the groups gnomAD compares: Admixed American, 0.0017%; no homozygotes.

Submissions (3):

Labcorp Genetics (formerly Invitae), Labcorp
Classification: Likely benign for Brugada syndrome 5. Last evaluated: 2025-12-24. Review status: criteria provided, single submitter. Criteria: Invitae Variant Classification Sherloc (09022015). Collection method: clinical testing. Allele origin: germline.

Ambry Genetics
Classification: Likely benign for Cardiovascular phenotype. Last evaluated: 2018-02-28. Review status: criteria provided, single submitter. Criteria: Ambry Variant Classification Scheme 2023. Collection method: clinical testing. Allele origin: germline.

GeneDx
Classification: Likely benign. Last evaluated: 2017-02-27. Review status: criteria provided, single submitter. Criteria: GeneDx Variant Classification (06012015). Collection method: clinical testing. Allele origin: germline. Affected: yes.
Comment: This variant is considered likely benign or benign based on one or more of the following criteria: it is a conservative change, it occurs at a poorly conserved position in the protein, it is predicted to be benign by multiple in silico algorithms, and/or has population frequency not consistent with disease.